The following is an entry in ClinVar:

NM_002335.4(LRP5):c.4348+3A>G

Gene: LRP5 (LDL receptor related protein 5; plus strand). Cytogenetic location: 11q13.2.
Variant type: single nucleotide variant.
Coding change: c.4348+3A>G on transcript NM_002335.4 (MANE Select); 3 bases into the intron after coding-DNA position 4348, A replaced by G.
Molecular consequence: intron variant.
Genome position (GRCh38, 1-based): chr11:68,438,685, A>G. VCF-style: chr11-68438685-A-G. GRCh37 (hg19) VCF-style: chr11-68206153-A-G.
Other names: c.2605+3A>G (NM_001291902.2).
Identifiers: ClinVar variation 1145828 (VCV001145828.13), dbSNP rs61375162, ClinGen allele CA6150320.
Genomic context (GRCh38, chr11:68,438,685, plus strand): 5'-CCGCACGTGCCCCTCAATTTCATAGCCCCGGGCGGTTCCCAGCATGGCCCCTTCACAGGT[A>G]AGGAGCCTGAGATATGGAATGATCTGGAGGAGGCAGGAGAGTAGTCTGGGCAGCTTTGGG-3'

ClinVar aggregate classification (germline): Benign/Likely benign. Review status: criteria provided, multiple submitters, no conflicts (2 of 4 stars). 5 submissions from 5 submitters: Benign (1); Likely benign (3). 1 of the submissions does not count toward it. Last evaluated 2026-05-06.

Conditions:
Bone mineral density quantitative trait locus 1 (BMND1). Identifiers: MedGen C1866079, OMIM 601884.
Worth disease. Also called: OSTEOSCLEROSIS, AUTOSOMAL DOMINANT; ENDOSTEAL HYPEROSTOSIS, AUTOSOMAL DOMINANT; Autosomal dominant osteosclerosis, Worth type. Identifiers: Orphanet 2790, MedGen C0432273, MONDO:0007764, OMIM 144750.
Autosomal dominant osteopetrosis 1 (OPTA1). Also called: OSTEOPETROSIS, AUTOSOMAL DOMINANT, TYPE I. Identifiers: Orphanet 2783, MedGen C1843330, MONDO:0011877, OMIM 607634.
Polycystic liver disease 4 with or without kidney cysts. Identifiers: MedGen C4693479, MONDO:0044327, OMIM 617875.
Exudative vitreoretinopathy 4 (EVR4). Identifiers: Orphanet 891, MedGen C1866176, MONDO:0011151, OMIM 601813.
Exudative vitreoretinopathy 1 (EVR1). Also called: FEVR, AUTOSOMAL DOMINANT; Familial exudative vitreoretinopathy, autosomal dominant; CRISWICK-SCHEPENS SYNDROME. Identifiers: Orphanet 891, Orphanet 90050, MedGen C1851402, MONDO:0007589, OMIM 133780.
Osteoporosis. Identifiers: MedGen C0029456, MONDO:0005298, OMIM 166710, HP:0000939.
Osteoporosis with pseudoglioma (OPPG). Also called: osteoporosis-pseudoglioma syndrome. Identifiers: Orphanet 2788, MedGen C0432252, MONDO:0009820, OMIM 259770.

Allele frequency attached by ClinVar (database versions not stated): 1000 Genomes Project 0.00160; 1000 Genomes Project 30x 0.00172; gnomAD exomes 0.00004 and 0.00015; ExAC 0.00021; ESP Exome Variant Server 0.00046; gnomAD 0.00058 and 0.00061; TOPMed 0.00059.
gnomAD v4.1: 154 of 1,610,648 alleles (0.0096%); highest among the groups gnomAD compares: African/African-American, 0.19%; no homozygotes.

Submissions (5):

Women's Health and Genetics/Laboratory Corporation of America, LabCorp
Classification: Benign. Last evaluated: 2026-05-06. Review status: criteria provided, single submitter. Criteria: LabCorp Variant Classification Summary - May 2015. Collection method: clinical testing. Allele origin: germline.
Comment: Variant summary: LRP5 c.4348+3A>G alters a conserved nucleotide located close to a canonical splice site and therefore could affect mRNA splicing, leading to a significantly altered protein sequence. Consensus agreement among computation tools predict no significant impact on normal splicing. However, these predictions have yet to be confirmed by functional studies. The variant allele was found at a frequency of 0.00015 in 246032 control chromosomes, predominantly at a frequency of 0.0023 within the African or African-American subpopulation in the gnomAD database. The observed variant frequency within African or African-American control individuals in the gnomAD database exceeds the estimated maximal expected allele frequency for disease-causing variants in LRP5. To our knowledge, no occurrence of c.4348+3A>G in individuals affected with LRP5-related conditions and no experimental evidence demonstrating its impact on protein function have been reported. ClinVar contains an entry for this variant (Variation ID: 1145828). Based on the evidence outlined above, the variant was classified as benign.

Labcorp Genetics (formerly Invitae), Labcorp
Classification: Likely benign. Last evaluated: 2025-12-26. Review status: criteria provided, single submitter. Criteria: Invitae Variant Classification Sherloc (09022015). Collection method: clinical testing. Allele origin: germline.

Blueprint Genetics
Classification: Likely benign. Last evaluated: 2023-09-28. Review status: criteria provided, single submitter. Criteria: ACMG Guidelines, 2015. Collection method: clinical testing. Allele origin: germline.

Fulgent Genetics
Classification: Likely benign for Exudative vitreoretinopathy 1; Worth disease; Osteoporosis; Osteoporosis with pseudoglioma; Exudative vitreoretinopathy 4; Bone mineral density quantitative trait locus 1; Autosomal dominant osteopetrosis 1; Polycystic liver disease 4 with or without kidney cysts. Last evaluated: 2022-05-16. Review status: criteria provided, single submitter. Criteria: ACMG Guidelines, 2015. Collection method: clinical testing. Allele origin: unknown.

Genetic Services Laboratory, University of Chicago
Classification: Likely benign. Last evaluated: 2022-09-13. Review status: no assertion criteria provided. Collection method: clinical testing. Allele origin: germline. Affected: no. Not counted in ClinVar's aggregate classification.